The following is an entry in ClinVar:

NM_001003699.4(RREB1):c.1573C>T (p.Pro525Ser)

Gene: RREB1 (ras responsive element binding protein 1; plus strand). Cytogenetic location: 6p24.3.
Variant type: single nucleotide variant.
Coding change: c.1573C>T on transcript NM_001003699.4 (MANE Select); coding-DNA position 1573, C replaced by T.
Protein change: p.Pro525Ser; replaces proline 525 with serine.
Molecular consequence: missense variant.
Genome position (GRCh38, 1-based): chr6:7,229,672, C>T. VCF-style: chr6-7229672-C-T. GRCh37 (hg19) VCF-style: chr6-7229905-C-T.
Other names: c.1573C>T, p.Pro525Ser (NM_001003698.4, NM_001003700.2, NM_001168344.2); short protein forms P525S.
Identifiers: ClinVar variation 4055807 (VCV004055807.1).

ClinVar aggregate classification (germline): Uncertain significance (1 of 4 stars; one submission).

Submission:

GeneDx
Classification: Uncertain significance. Last evaluated: 2023-09-06. Review status: criteria provided, single submitter. Criteria: GeneDx Variant Classification Process June 2021. Collection method: clinical testing. Allele origin: germline. Affected: yes.
Comment: Not observed at significant frequency in large population cohorts (gnomAD); In silico analysis supports that this missense variant has a deleterious effect on protein structure/function; Has not been previously published as pathogenic or benign to our knowledge; Variants in candidate genes are classified as variants of uncertain significance in accordance with ACMG guidelines (Richards et al., 2015)